The following is an entry in ClinVar:

ClinVar aggregate classification (germline): Uncertain significance (1 of 4 stars; one submission).

Submission:

GeneDx
Classification: Uncertain significance. Last evaluated: 2020-06-12. Review status: criteria provided, single submitter. Criteria: GeneDx Variant Classification Process June 2021. Collection method: clinical testing. Allele origin: germline. Affected: yes.
Comment: Not observed in large population cohorts (Lek et al., 2016); In silico analysis supports that this missense variant does not alter protein structure/function; Has not been previously published as pathogenic or benign to our knowledge

NM_001375380.1(EBF3):c.249G>T (p.Glu83Asp)

Gene: EBF3 (EBF transcription factor 3; minus strand). Cytogenetic location: 10q26.3.
Variant type: single nucleotide variant.
Coding change: c.249G>T on transcript NM_001375380.1 (MANE Select); coding-DNA position 249, G replaced by T.
Protein change: p.Glu83Asp; replaces glutamic acid 83 with aspartic acid.
Molecular consequence: missense variant.
Genome position (GRCh38, 1-based): chr10:129,963,409, C>A on the plus strand (G>T on the coding strand, the complement: EBF3 is on the minus strand). VCF-style: chr10-129963409-C-A. GRCh37 (hg19) VCF-style: chr10-131761673-C-A.
Other names: c.249G>T, p.Glu83Asp (NM_001005463.3, NM_001375379.1, NM_001375389.1 and 3 more transcripts); short protein forms E83D.
Identifiers: ClinVar variation 1304365 (VCV001304365.2), dbSNP rs2134658929, ClinGen allele CA378911189.